The following is an entry in ClinVar:

NM_021098.3(CACNA1H):c.1933G>A (p.Gly645Arg)

Gene: CACNA1H (calcium voltage-gated channel subunit alpha1 H; plus strand). Cytogenetic location: 16p13.3.
Variant type: single nucleotide variant.
Coding change: c.1933G>A on transcript NM_021098.3 (MANE Select); coding-DNA position 1933, G replaced by A.
Protein change: p.Gly645Arg; replaces glycine 645 with arginine.
Molecular consequence: missense variant.
Genome position (GRCh38, 1-based): chr16:1,202,383, G>A. VCF-style: chr16-1202383-G-A. GRCh37 (hg19) VCF-style: chr16-1252383-G-A.
Other names: c.1933G>A, p.Gly645Arg (NM_001005407.2); short protein forms G645R.
Identifiers: ClinVar variation 1052654 (VCV001052654.8), dbSNP rs566589497, ClinGen allele CA276652114.

ClinVar aggregate classification (germline): Uncertain significance. Review status: criteria provided, multiple submitters, no conflicts (2 of 4 stars). 2 submissions from 2 submitters: Uncertain significance (2). Last evaluated 2024-07-18.

Conditions:
Idiopathic generalized epilepsy. Also called: EIG; Generalised epilepsy. Identifiers: MedGen C0270850, MONDO:0005579, OMIM 600669.
Hyperaldosteronism, familial, type IV (HALD4). Also called: FH IV; ALDOSTERONISM, PRIMARY, AND HYPERTENSION. Identifiers: Orphanet 642671, MedGen C4310756, MONDO:0014875, OMIM 617027.
Epilepsy, childhood absence, susceptibility to, 6. Identifiers: Orphanet 64280, MedGen C2749872, MONDO:0012763, OMIM 611942.

Allele frequency attached by ClinVar (database versions not stated): gnomAD 0.00001 and 0.00002; 1000 Genomes Project 30x 0.00016; 1000 Genomes Project 0.00020.
gnomAD v4.1: 17 of 1,551,418 alleles (0.0011%); highest among the groups gnomAD compares: Admixed American, 0.012%; no homozygotes.

Submissions (2):

Labcorp Genetics (formerly Invitae), Labcorp
Classification: Uncertain significance for Idiopathic generalized epilepsy; Hyperaldosteronism, familial, type IV. Last evaluated: 2024-07-18. Review status: criteria provided, single submitter. Criteria: Invitae Variant Classification Sherloc (09022015). Collection method: clinical testing. Allele origin: germline.
Comment: This sequence change replaces glycine, which is neutral and non-polar, with arginine, which is basic and polar, at codon 645 of the CACNA1H protein (p.Gly645Arg). This variant is not present in population databases (gnomAD no frequency). This variant has not been reported in the literature in individuals affected with CACNA1H-related conditions. ClinVar contains an entry for this variant (Variation ID: 1052654). Advanced modeling of protein sequence and biophysical properties (such as structural, functional, and spatial information, amino acid conservation, physicochemical variation, residue mobility, and thermodynamic stability) performed at Invitae indicates that this missense variant is not expected to disrupt CACNA1H protein function with a negative predictive value of 80%. In summary, the available evidence is currently insufficient to determine the role of this variant in disease. Therefore, it has been classified as a Variant of Uncertain Significance.

Fulgent Genetics
Classification: Uncertain significance for Epilepsy, childhood absence, susceptibility to, 6; Hyperaldosteronism, familial, type IV. Last evaluated: 2024-03-22. Review status: criteria provided, single submitter. Criteria: ACMG Guidelines, 2015. Collection method: clinical testing. Allele origin: germline.